The following is an entry in ClinVar:

ClinVar aggregate classification (germline): Uncertain significance. Review status: criteria provided, multiple submitters, no conflicts (2 of 4 stars). 2 submissions from 2 submitters: Uncertain significance (2). Last evaluated 2025-09-26.

Conditions:
RYR1-related disorder. Also called: RYR1-related disorders; RYR1-related condition. Identifiers: MedGen CN239331.
Malignant hyperthermia, susceptibility to, 1 (MHS1). Also called: Anesthesia related hyperthermia; Malignant hyperpyrexia; Fulminating hyperpyrexia; Pharmacogenic myopathy; Malignant hyperthermia suceptibility 1; RYR1-Related Malignant Hyperthermia Susceptibility. Identifiers: Orphanet 423, MedGen C2930980, MONDO:0007783, OMIM 145600.

gnomAD v4.1: 5 of 1,590,972 alleles (0.00031%); highest among the groups gnomAD compares: Non-Finnish European, 0.00043%; no homozygotes.

Submissions (2):

Labcorp Genetics (formerly Invitae), Labcorp
Classification: Uncertain significance for RYR1-related disorder. Last evaluated: 2025-09-26. Review status: criteria provided, single submitter. Criteria: Invitae Variant Classification Sherloc (09022015). Collection method: clinical testing. Allele origin: germline.
Comment: This sequence change replaces glutamic acid, which is acidic and polar, with lysine, which is basic and polar, at codon 4228 of the RYR1 protein (p.Glu4228Lys). This variant is not present in population databases (gnomAD no frequency). This variant has not been reported in the literature in individuals affected with RYR1-related conditions. ClinVar contains an entry for this variant (Variation ID: 3385589). Invitae Evidence Modeling of protein sequence and biophysical properties (such as structural, functional, and spatial information, amino acid conservation, physicochemical variation, residue mobility, and thermodynamic stability) indicates that this missense variant is expected to disrupt RYR1 protein function with a positive predictive value of 80%. In summary, the available evidence is currently insufficient to determine the role of this variant in disease. Therefore, it has been classified as a Variant of Uncertain Significance.

All of Us Research Program, National Institutes of Health
Classification: Uncertain significance for Malignant hyperthermia, susceptibility to, 1. Last evaluated: 2024-09-23. Review status: criteria provided, single submitter. Criteria: ACMG Guidelines, 2015. Collection method: clinical testing. Allele origin: germline. Inheritance: Autosomal dominant inheritance. Observed: 1 variant allele, 1 heterozygote.
Comment: This study involves interpretation of variants in research participants for the purpose of population health screening. Participant phenotype was not available at the time of variant classification. Additional details can be found in publication PMID: 35346344, PMCID: PMC8962531

NM_000540.3(RYR1):c.12682G>A (p.Glu4228Lys)

Gene: RYR1 (ryanodine receptor 1; plus strand). Cytogenetic location: 19q13.2.
Variant type: single nucleotide variant.
Coding change: c.12682G>A on transcript NM_000540.3 (MANE Select); coding-DNA position 12682, G replaced by A.
Protein change: p.Glu4228Lys; replaces glutamic acid 4228 with lysine.
Molecular consequence: missense variant.
Genome position (GRCh38, 1-based): chr19:38,565,016, G>A. VCF-style: chr19-38565016-G-A. GRCh37 (hg19) VCF-style: chr19-39055656-G-A.
Other names: c.12667G>A, p.Glu4223Lys (NM_001042723.2); short protein forms E4223K, E4228K.
Identifiers: ClinVar variation 3385589 (VCV003385589.2).